The following is an entry in ClinVar:

NM_000810.4(GABRA5):c.880G>T (p.Val294Phe)

Gene: GABRA5 (gamma-aminobutyric acid type A receptor subunit alpha5; plus strand). Cytogenetic location: 15q12.
Variant type: single nucleotide variant.
Coding change: c.880G>T on transcript NM_000810.4 (MANE Select); coding-DNA position 880, G replaced by T.
Protein change: p.Val294Phe; replaces valine 294 with phenylalanine.
Molecular consequence: missense variant.
Genome position (GRCh38, 1-based): chr15:26,943,217, G>T. VCF-style: chr15-26943217-G-T. GRCh37 (hg19) VCF-style: chr15-27188364-G-T.
Other names: c.880G>T, p.Val294Phe (NM_001165037.2); short protein forms V294F.
Identifiers: ClinVar variation 689392 (VCV000689392.9), dbSNP rs1595438243, ClinGen allele CA391460915.

ClinVar aggregate classification (germline): Pathogenic/Likely pathogenic. Review status: criteria provided, multiple submitters, no conflicts (2 of 4 stars). 5 submissions from 5 submitters: Pathogenic (2); Likely pathogenic (1). 2 of the submissions do not count toward it. Last evaluated 2025-06-12.

Conditions:
Developmental and epileptic encephalopathy, 79. Also called: EPILEPTIC ENCEPHALOPATHY, EARLY INFANTILE, 79. Identifiers: MedGen C5231410, MONDO:0032813, OMIM 618559.
GABRA5-related disorders.

Submissions (5):

Variantyx, Inc.
Classification: Likely pathogenic for Developmental and epileptic encephalopathy, 79. Last evaluated: 2025-06-12. Review status: criteria provided, single submitter. Criteria: Variantyx Assertion Criteria 2022. Collection method: clinical testing. Allele origin: de novo. Inheritance: Autosomal dominant inheritance. Affected: yes.
Comment: This is a nonsynonymous variant in the GABRA5 gene (OMIM: 137142). Pathogenic variants in this gene have been associated with autosomal dominant developmental and epileptic encephalopathy 79. An alternate amino acid change at this position (p.Val294Leu) has been previously reported in similarly affected individuals, which suggests that this residue is biologically important (PMID: 29961870) (PM5) and multiple computational algorithms predict a deleterious effect for this variant (REVEL score: 0.812) (PP3). This variant is absent from control populations (PM2). Based on the current evidence, this variant is classified as likely pathogenic for autosomal dominant developmental and epileptic encephalopathy 79.

GeneDx
Classification: Pathogenic. Last evaluated: 2023-09-29. Review status: criteria provided, single submitter. Criteria: GeneDx Variant Classification Process June 2021. Collection method: clinical testing. Allele origin: germline.
Comment: Published functional studies demonstrate reduced inhibition in hippocampal neurons containing this variant (PMID: 31056671); In silico analysis supports that this missense variant has a deleterious effect on protein structure/function; Not observed at significant frequency in large population cohorts (gnomAD); This variant is associated with the following publications: (PMID: 31056671, 32249079)

Blueprint Genetics
Classification: Pathogenic for GABRA5-related disorders. Last evaluated: 2021-10-29. Review status: criteria provided, single submitter. Criteria: ACMG Guidelines, 2015. Collection method: clinical testing. Allele origin: de novo. Affected: yes. Observed: 2 variant alleles.

OMIM
Classification: Pathogenic for DEVELOPMENTAL AND EPILEPTIC ENCEPHALOPATHY 79. Last evaluated: 2020-11-25. Review status: no assertion criteria provided. Collection method: literature only. Allele origin: germline. Not counted in ClinVar's aggregate classification.

Center of Excellence for Medical Genomics, Chulalongkorn University
Classification: Pathogenic for Developmental and epileptic encephalopathy, 79. Last evaluated: 2002-09-08. Review status: no assertion criteria provided. Collection method: research. Allele origin: de novo. Affected: yes. Not counted in ClinVar's aggregate classification.

Literature cited by the submitters: PubMed 31056671 (cited by Variantyx, Inc. and OMIM); PubMed 29961870 (cited by Variantyx, Inc.).